The following is an entry in ClinVar:

ClinVar aggregate classification (germline): Uncertain significance (1 of 4 stars; one submission).

gnomAD v4.1: 25 of 1,612,020 alleles (0.0016%); highest among the groups gnomAD compares: Non-Finnish European, 0.0019%; no homozygotes.

Submission:

Labcorp Genetics (formerly Invitae), Labcorp
Classification: Uncertain significance. Last evaluated: 2023-11-03. Review status: criteria provided, single submitter. Criteria: Invitae Variant Classification Sherloc (09022015). Collection method: clinical testing. Allele origin: germline.
Comment: This sequence change replaces phenylalanine, which is neutral and non-polar, with serine, which is neutral and polar, at codon 332 of the GUCY2C protein (p.Phe332Ser). This variant is present in population databases (no rsID available, gnomAD 0.0009%). This variant has not been reported in the literature in individuals affected with GUCY2C-related conditions. Advanced modeling of protein sequence and biophysical properties (such as structural, functional, and spatial information, amino acid conservation, physicochemical variation, residue mobility, and thermodynamic stability) performed at Invitae indicates that this missense variant is expected to disrupt GUCY2C protein function with a positive predictive value of 80%. In summary, the available evidence is currently insufficient to determine the role of this variant in disease. Therefore, it has been classified as a Variant of Uncertain Significance.

NM_004963.4(GUCY2C):c.995T>C (p.Phe332Ser)

Genes: GUCY2C (guanylate cyclase 2C; minus strand), GUCY2C-AS1 (GUCY2C antisense RNA 1; plus strand). Cytogenetic location: 12p12.3.
Variant type: single nucleotide variant.
Coding change: c.995T>C on transcript NM_004963.4 (MANE Select); coding-DNA position 995, T replaced by C.
Protein change: p.Phe332Ser; replaces phenylalanine 332 with serine.
Molecular consequence: missense variant.
Genome position (GRCh38, 1-based): chr12:14,674,714, A>G on the plus strand (T>C on the coding strand, the complement: GUCY2C is on the minus strand). VCF-style: chr12-14674714-A-G. GRCh37 (hg19) VCF-style: chr12-14827648-A-G.
Other names: short protein forms F332S.
Identifiers: ClinVar variation 2970890 (VCV002970890.3), dbSNP rs1306674918, ClinGen allele CA384001460.